The following is an entry in ClinVar:

ClinVar aggregate classification (germline): Likely benign. Review status: criteria provided, multiple submitters, no conflicts (2 of 4 stars). 2 submissions from 2 submitters: Likely benign (2). Last evaluated 2026-01-14.

Conditions:
HPS3-related disorder. Also called: HPS3-related condition.

Allele frequency attached by ClinVar (database versions not stated): gnomAD 0.00002.
gnomAD v4.1: 15 of 1,614,008 alleles (0.00093%); highest among the groups gnomAD compares: African/African-American, 0.0027%; no homozygotes.

Submissions (2):

PreventionGenetics, part of Exact Sciences
Classification: Likely benign for HPS3-related condition. Last evaluated: 2026-01-14. Review status: criteria provided, single submitter. Criteria: ACMG Guidelines, 2015. Collection method: clinical testing. Allele origin: germline.
Comment: This variant is classified as likely benign based on ACMG/AMP sequence variant interpretation guidelines (Richards et al. 2015 PMID: 25741868, with internal and published modifications).

Labcorp Genetics (formerly Invitae), Labcorp
Classification: Likely benign. Last evaluated: 2022-08-21. Review status: criteria provided, single submitter. Criteria: Invitae Variant Classification Sherloc (09022015). Collection method: clinical testing. Allele origin: germline.

NM_032383.5(HPS3):c.1087T>C (p.Leu363=)

Gene: HPS3 (HPS3 biogenesis of lysosomal organelles complex 2 subunit 1; plus strand). Cytogenetic location: 3q24.
Variant type: single nucleotide variant.
Coding change: c.1087T>C on transcript NM_032383.5 (MANE Select); coding-DNA position 1087, T replaced by C.
Protein change: p.Leu363=; no amino-acid change (leucine 363 retained).
Molecular consequence: synonymous variant.
Genome position (GRCh38, 1-based): chr3:149,145,470, T>C. VCF-style: chr3-149145470-T-C. GRCh37 (hg19) VCF-style: chr3-148863257-T-C.
Other names: c.1087T>C (NM_032383.4); c.592T>C, p.Leu198= (NM_001308258.2).
Identifiers: ClinVar variation 1095591 (VCV001095591.10), dbSNP rs774985673, ClinGen allele CA2659992.